The following is an entry in ClinVar:

ClinVar aggregate classification (germline): Uncertain significance (1 of 4 stars; one submission).

Allele frequency attached by ClinVar (database versions not stated): ExAC 0.00002; gnomAD exomes 0.00002 and 0.00006; TOPMed 0.00005; gnomAD 0.00006.
gnomAD v4.1: 94 of 1,614,016 alleles (0.0058%); highest among the groups gnomAD compares: African/African-American, 0.008%; no homozygotes.

Submission:

Labcorp Genetics (formerly Invitae), Labcorp
Classification: Uncertain significance. Last evaluated: 2021-07-15. Review status: criteria provided, single submitter. Criteria: Invitae Variant Classification Sherloc (09022015). Collection method: clinical testing. Allele origin: germline.
Comment: In summary, the available evidence is currently insufficient to determine the role of this variant in disease. Therefore, it has been classified as a Variant of Uncertain Significance. Algorithms developed to predict the effect of missense changes on protein structure and function (SIFT, PolyPhen-2, Align-GVGD) all suggest that this variant is likely to be disruptive. This variant has not been reported in the literature in individuals affected with MYH7B-related conditions. This variant is present in population databases (rs759861137, ExAC 0.01%). This sequence change replaces arginine with glutamine at codon 612 of the MYH7B protein (p.Arg612Gln). The arginine residue is highly conserved and there is a small physicochemical difference between arginine and glutamine.

NM_020884.7(MYH7B):c.1709G>A (p.Arg570Gln)

Gene: MYH7B (myosin heavy chain 7B; plus strand). Cytogenetic location: 20q11.22.
Variant type: single nucleotide variant.
Coding change: c.1709G>A on transcript NM_020884.7 (MANE Select); coding-DNA position 1709, G replaced by A.
Protein change: p.Arg570Gln; replaces arginine 570 with glutamine.
Molecular consequence: missense variant.
Genome position (GRCh38, 1-based): chr20:34,989,861, G>A. VCF-style: chr20-34989861-G-A. GRCh37 (hg19) VCF-style: chr20-33577664-G-A.
Other names: short protein forms R570Q.
Identifiers: ClinVar variation 1462883 (VCV001462883.8), dbSNP rs759861137, ClinGen allele CA9827036.
Genomic context (GRCh38, chr20:34,989,861, plus strand): 5'-GCTTCCGGGCCAAGCTCTACGACAACCACGCGGGGAAGTCACCCAATTTCCAGCAGCCTC[G>A]GCCTGACAAGAAGCGCAAGTACCAGGCCCACTTCGAGGTGGTCCACTACGCAGGCGTGGT-3'
Protein context (NP_065935.4, residues 560-580): AGKSPNFQQP[Arg570Gln]PDKKRKYQAH